The following is an entry in ClinVar:

ClinVar aggregate classification (germline): Pathogenic (1 of 4 stars; one submission).

Submission:

Labcorp Genetics (formerly Invitae), Labcorp
Classification: Pathogenic. Last evaluated: 2024-11-27. Review status: criteria provided, single submitter. Criteria: Invitae Variant Classification Sherloc (09022015). Collection method: clinical testing. Allele origin: germline.
Comment: This sequence change creates a premature translational stop signal (p.Val378Glyfs*65) in the PKDCC gene. It is expected to result in an absent or disrupted protein product. Loss-of-function variants in PKDCC are known to be pathogenic (PMID: 19097194, 30478137). This variant is not present in population databases (gnomAD no frequency). This variant has not been reported in the literature in individuals affected with PKDCC-related conditions. For these reasons, this variant has been classified as Pathogenic.

Literature cited by the submitters: PubMed 19097194; PubMed 30478137.

NM_138370.3(PKDCC):c.1132dup (p.Val378fs)

Gene: PKDCC (protein kinase domain containing, cytoplasmic; plus strand). Cytogenetic location: 2p21.
Variant type: Duplication.
Coding change: c.1132dup on transcript NM_138370.3 (MANE Select); coding-DNA position 1132, one base duplicated (G; older notation c.1132dupG).
Protein change: p.Val378fs; shifts the reading frame from valine 378.
Molecular consequence: frameshift variant.
Genome position (GRCh38, 1-based): chr2:42,055,303, G duplicated; the last of 6 consecutive G bases (chr2:42,055,298-42,055,303); duplicating any one gives the same sequence. VCF-style (leftmost placement, unchanged base first): chr2-42055297-T-TG. GRCh37 (hg19) VCF-style: chr2-42282437-T-TG.
Other names: short protein forms V378fs.
Identifiers: ClinVar variation 3627565 (VCV003627565.2).
Genomic context (GRCh38, chr2:42,055,297, plus strand): 5'-AGGAGTGGGAGCCCCAGGCATCCTGTCTTAGCCACACTGCACTCTGCAGGAGAGCTCGCC[T>TG]GGGGGGTGGACGAGACCCTGGCCCAGCTGGAGAAGGTGCTGCACCTGTACCGGAGCGGGC-3'